The following is an entry in ClinVar:

NM_183357.3(ADCY5):c.3722TCAAGG[1] (p.1241VK[1])

Gene: ADCY5 (adenylate cyclase 5; minus strand). Cytogenetic location: 3q21.1.
Variant type: Microsatellite.
Coding change: c.3722TCAAGG[1] on transcript NM_183357.3 (MANE Select); one copy of the 6-base unit TCAAGG starting at c.3722; the reference has two copies in a row; one copy, 6 bases deleted.
Protein change: p.1241VK[1].
Molecular consequence: inframe deletion.
Genome position (GRCh38, 1-based): chr3:123,284,661-123,284,666, CCTTGA deleted on the plus strand (TCAAGG on the coding strand, the reverse complement: ADCY5 is on the minus strand); deleting any 6 consecutive bases within chr3:123,284,661-123,284,674 gives the same sequence; the position shown is the placement nearest the transcript's 3' end. VCF-style (leftmost placement, unchanged base first): chr3-123284660-CCCTTGA-C. GRCh37 (hg19) VCF-style: chr3-123003507-CCCTTGA-C.
Other names: c.2672TCAAGG[1], p.891VK[1] (NM_001199642.1); c.3797TCAAGG[1], p.1266VK[1] (NM_001378259.1).
Identifiers: ClinVar variation 1353753 (VCV001353753.9), dbSNP rs1452076733, ClinGen allele CA545690191.

ClinVar aggregate classification (germline): Uncertain significance. Review status: criteria provided, multiple submitters, no conflicts (2 of 4 stars). 2 submissions from 2 submitters: Uncertain significance (2). Last evaluated 2023-03-10.

Submissions (2):

Blueprint Genetics
Classification: Uncertain significance. Last evaluated: 2023-03-10. Review status: criteria provided, single submitter. Criteria: ACMG Guidelines, 2015. Collection method: clinical testing. Allele origin: germline.

Labcorp Genetics (formerly Invitae), Labcorp
Classification: Uncertain significance. Last evaluated: 2022-12-09. Review status: criteria provided, single submitter. Criteria: Invitae Variant Classification Sherloc (09022015). Collection method: clinical testing. Allele origin: germline.
Comment: This variant is present in population databases (no rsID available, gnomAD 0.004%). This variant, c.3728_3733del, results in the deletion of 2 amino acid(s) of the ADCY5 protein (p.Val1243_Lys1244del), but otherwise preserves the integrity of the reading frame. This variant has not been reported in the literature in individuals affected with ADCY5-related conditions. In summary, the available evidence is currently insufficient to determine the role of this variant in disease. Therefore, it has been classified as a Variant of Uncertain Significance. Experimental studies and prediction algorithms are not available or were not evaluated, and the functional significance of this variant is currently unknown.